The following is an entry in ClinVar:

NM_006580.4(CLDN16):c.611G>T (p.Arg204Met)

Gene: CLDN16 (claudin 16; plus strand). Cytogenetic location: 3q28.
Variant type: single nucleotide variant.
Coding change: c.611G>T on transcript NM_006580.4 (MANE Select); coding-DNA position 611, G replaced by T.
Protein change: p.Arg204Met; replaces arginine 204 with methionine.
Molecular consequence: missense variant.
Genome position (GRCh38, 1-based): chr3:190,409,939, G>T. VCF-style: chr3-190409939-G-T. GRCh37 (hg19) VCF-style: chr3-190127728-G-T.
Other names: c.611G>T, p.Arg204Met (NM_001378492.1, NM_001378493.1); short protein forms R204M.
Identifiers: ClinVar variation 1991413 (VCV001991413.2), dbSNP rs1641467526, ClinGen allele CA355768427.

ClinVar aggregate classification (germline): Uncertain significance (1 of 4 stars; one submission).

Allele frequency attached by ClinVar (database versions not stated): TOPMed 0.00001.

Submission:

Labcorp Genetics (formerly Invitae), Labcorp
Classification: Uncertain significance. Last evaluated: 2022-08-03. Review status: criteria provided, single submitter. Criteria: Invitae Variant Classification Sherloc (09022015). Collection method: clinical testing. Allele origin: germline.
Comment: In summary, the available evidence is currently insufficient to determine the role of this variant in disease. Therefore, it has been classified as a Variant of Uncertain Significance. Algorithms developed to predict the effect of missense changes on protein structure and function are either unavailable or do not agree on the potential impact of this missense change (SIFT: "Deleterious"; PolyPhen-2: "Possibly Damaging"; Align-GVGD: "Class C0"). This variant has not been reported in the literature in individuals affected with CLDN16-related conditions. This variant is not present in population databases (gnomAD no frequency). This sequence change replaces arginine, which is basic and polar, with methionine, which is neutral and non-polar, at codon 274 of the CLDN16 protein (p.Arg274Met).